The following is an entry in ClinVar:

NM_003482.4(KMT2D):c.15077C>T (p.Pro5026Leu)

Gene: KMT2D (lysine methyltransferase 2D; minus strand). Cytogenetic location: 12q13.12.
Variant type: single nucleotide variant.
Coding change: c.15077C>T on transcript NM_003482.4 (MANE Select); coding-DNA position 15077, C replaced by T.
Protein change: p.Pro5026Leu; replaces proline 5026 with leucine.
Molecular consequence: missense variant.
Genome position (GRCh38, 1-based): chr12:49,026,889, G>A on the plus strand (C>T on the coding strand, the complement: KMT2D is on the minus strand). VCF-style: chr12-49026889-G-A. GRCh37 (hg19) VCF-style: chr12-49420672-G-A.
Other names: c.15077C>T (NM_003482.3); short protein forms P5026L.
Identifiers: ClinVar variation 1442864 (VCV001442864.12), dbSNP rs957154857, ClinGen allele CA236633930.

ClinVar aggregate classification (germline): Conflicting classifications of pathogenicity. Review status: criteria provided, conflicting classifications (1 of 4 stars). 3 submissions from 3 submitters: Uncertain significance (2); Benign (1). Last evaluated 2026-02-01.

Conditions:
KMT2D-related disorder. Also called: KMT2D-Related Disorders.
Kabuki syndrome. Also called: Kabuki make-up syndrome; NIIKAWA-KUROKI SYNDROME. Identifiers: Orphanet 2322, MedGen C0796004, MONDO:0016512.

Allele frequency attached by ClinVar (database versions not stated): gnomAD 0.00001; gnomAD exomes 0.00001 and 0.00002; TOPMed 0.00001.
gnomAD v4.1: 14 of 1,613,866 alleles (0.00087%); highest among the groups gnomAD compares: Middle Eastern, 0.033%; no homozygotes.

Submissions (3):

Labcorp Genetics (formerly Invitae), Labcorp
Classification: Benign for Kabuki syndrome. Last evaluated: 2026-02-01. Review status: criteria provided, single submitter. Criteria: Invitae Variant Classification Sherloc (09022015). Collection method: clinical testing. Allele origin: germline.

PreventionGenetics, part of Exact Sciences
Classification: Uncertain significance for KMT2D-related condition. Last evaluated: 2024-11-11. Review status: criteria provided, single submitter. Criteria: ACMG Guidelines, 2015. Collection method: clinical testing. Allele origin: germline.
Comment: The KMT2D c.15077C>T variant is predicted to result in the amino acid substitution p.Pro5026Leu. To our knowledge, this variant has not been reported in the literature. This variant is reported in 0.0040% of alleles in individuals of European (Finnish) descent in gnomAD. At this time, the clinical significance of this variant is uncertain due to the absence of conclusive functional and genetic evidence.

Breakthrough Genomics
Classification: Uncertain significance. Review status: criteria provided, single submitter. Criteria: ACMG Guidelines, 2015. Collection method: not provided. Allele origin: germline. Inheritance: Autosomal dominant inheritance. Affected: yes.